The following is an entry in ClinVar:

NM_182914.3(SYNE2):c.6836C>T (p.Pro2279Leu)

Gene: SYNE2 (spectrin repeat containing nuclear envelope protein 2; plus strand). Cytogenetic location: 14q23.2.
Variant type: single nucleotide variant.
Coding change: c.6836C>T on transcript NM_182914.3 (MANE Select); coding-DNA position 6836, C replaced by T.
Protein change: p.Pro2279Leu; replaces proline 2279 with leucine.
Molecular consequence: missense variant.
Genome position (GRCh38, 1-based): chr14:64,030,016, C>T. VCF-style: chr14-64030016-C-T. GRCh37 (hg19) VCF-style: chr14-64496734-C-T.
Other names: c.6836C>T, p.Pro2279Leu (NM_015180.6); short protein forms P2279L.
Identifiers: ClinVar variation 944901 (VCV000944901.5), dbSNP rs2097019470, ClinGen allele CA389951474.
Genomic context (GRCh38, chr14:64,030,016, plus strand): 5'-CAGACCTGAATACTACATTGGACAATTTCTCCAAGGAATTTGTCAGTTTTTCTGATAAGC[C>T]TGTGGATCAAATAGCGGTTGAGGAAAAATTGCAGAAACTGCAGGTACTAAACGGTGTCCA-3'
Protein context (NP_878918.2, residues 2269-2289): SKEFVSFSDK[Pro2279Leu]VDQIAVEEKL

ClinVar aggregate classification (germline): Uncertain significance (1 of 4 stars; one submission).

Conditions:
Emery-Dreifuss muscular dystrophy 5, autosomal dominant (EDMD5). Also called: EMERY-DREIFUSS MUSCULAR DYSTROPHY 5. Identifiers: Orphanet 261, MedGen C2751805, MONDO:0013072, OMIM 612999.

Allele frequency attached by ClinVar (database versions not stated): gnomAD exomes below 0.00001.
gnomAD v4.1: 2 of 1,613,972 alleles (0.00012%); highest among the groups gnomAD compares: Non-Finnish European, 0.00017%; no homozygotes.

Submission:

Labcorp Genetics (formerly Invitae), Labcorp
Classification: Uncertain significance for Emery-Dreifuss muscular dystrophy 5, autosomal dominant. Last evaluated: 2023-07-10. Review status: criteria provided, single submitter. Criteria: Invitae Variant Classification Sherloc (09022015). Collection method: clinical testing. Allele origin: germline.
Comment: In summary, the available evidence is currently insufficient to determine the role of this variant in disease. Therefore, it has been classified as a Variant of Uncertain Significance. Algorithms developed to predict the effect of missense changes on protein structure and function output the following: SIFT: "Not Available"; PolyPhen-2: "Possibly Damaging"; Align-GVGD: "Not Available". The leucine amino acid residue is found in multiple mammalian species, which suggests that this missense change does not adversely affect protein function. ClinVar contains an entry for this variant (Variation ID: 944901). This variant has not been reported in the literature in individuals affected with SYNE2-related conditions. This variant is not present in population databases (gnomAD no frequency). This sequence change replaces proline, which is neutral and non-polar, with leucine, which is neutral and non-polar, at codon 2279 of the SYNE2 protein (p.Pro2279Leu).